The following is an entry in ClinVar:

NM_000138.5(FBN1):c.2408_2412dup (p.Cys805fs)

Gene: FBN1 (fibrillin 1; minus strand). Cytogenetic location: 15q21.1.
Variant type: Duplication.
Coding change: c.2408_2412dup on transcript NM_000138.5 (MANE Select); coding-DNA positions 2408 to 2412, 5 bases duplicated (AAACA; older notation c.2408_2412dupAAACA).
Protein change: p.Cys805fs; shifts the reading frame from cysteine 805.
Molecular consequence: frameshift variant.
Genome position (GRCh38, 1-based): chr15:48,496,107-48,496,111, TGTTT duplicated on the plus strand (AAACA on the coding strand, the reverse complement: FBN1 is on the minus strand); duplicating any 5 consecutive bases within chr15:48,496,107-48,496,112 gives the same sequence; the c. name uses the placement nearest the transcript's 3' end. VCF-style (leftmost placement, unchanged base first): chr15-48496106-A-ATGTTT. GRCh37 (hg19) VCF-style: chr15-48788303-A-ATGTTT.
Other names: c.2408_2412dupAAACA (NM_000138.4); c.2408_2412dup, p.Cys805fs (NM_001406716.1); short protein forms C805fs.
Identifiers: ClinVar variation 2453681 (VCV002453681.2), dbSNP rs2505573390, ClinGen allele CA2580089643.

ClinVar aggregate classification (germline): Pathogenic (1 of 4 stars; one submission).

Conditions:
Familial thoracic aortic aneurysm and aortic dissection (TAAD). Also called: Thoracic aortic aneurysms and dissections. Identifiers: Orphanet 91387, MedGen C4707243, MONDO:0019625.

Submission:

Ambry Genetics
Classification: Pathogenic for Familial thoracic aortic aneurysm and aortic dissection. Last evaluated: 2023-01-11. Review status: criteria provided, single submitter. Criteria: Ambry Variant Classification Scheme 2023. Collection method: clinical testing. Allele origin: germline.
Comment: The c.2408_2412dupAAACA pathogenic mutation, located in coding exon 19 of the FBN1 gene, results from a duplication of AAACA at nucleotide position 2408, causing a translational frameshift with a predicted alternate stop codon (p.C805Kfs*44). This variant is considered to be rare based on population cohorts in the Genome Aggregation Database (gnomAD). This alteration is expected to result in loss of function by premature protein truncation or nonsense-mediated mRNA decay. As such, this alteration is interpreted as a disease-causing mutation.